The following is an entry in ClinVar:

NM_005269.3(GLI1):c.2008G>T (p.Ala670Ser)

Gene: GLI1 (GLI family zinc finger 1; plus strand). Cytogenetic location: 12q13.3.
Variant type: single nucleotide variant.
Coding change: c.2008G>T on transcript NM_005269.3 (MANE Select); coding-DNA position 2008, G replaced by T.
Protein change: p.Ala670Ser; replaces alanine 670 with serine.
Molecular consequence: missense variant.
Genome position (GRCh38, 1-based): chr12:57,470,748, G>T. VCF-style: chr12-57470748-G-T. GRCh37 (hg19) VCF-style: chr12-57864531-G-T.
Other names: c.1624G>T, p.Ala542Ser (NM_001160045.2); c.1885G>T, p.Ala629Ser (NM_001167609.2); short protein forms A542S, A629S, A670S.
Identifiers: ClinVar variation 2691566 (VCV002691566.2), dbSNP rs138680284, ClinGen allele CA6648929.

ClinVar aggregate classification (germline): Uncertain significance (1 of 4 stars; one submission).

Allele frequency attached by ClinVar (database versions not stated): 1000 Genomes Project 30x 0.00047; TOPMed 0.00054; gnomAD 0.00057; ESP Exome Variant Server 0.00108; 1000 Genomes Project 0.00060; gnomAD exomes 0.00066; ExAC 0.00084.
gnomAD v4.1: 1,058 of 1,613,144 alleles (0.066%); highest among the groups gnomAD compares: Middle Eastern, 0.31%; 2 homozygotes.

Submission:

Women's Health and Genetics/Laboratory Corporation of America, LabCorp
Classification: Uncertain significance. Last evaluated: 2026-03-09. Review status: criteria provided, single submitter. Criteria: LabCorp Variant Classification Summary - May 2015. Collection method: clinical testing. Allele origin: germline.
Comment: Variant summary: GLI1 c.2008G>T (p.Ala670Ser) results in a conservative amino acid change in the encoded protein sequence. Algorithms developed to predict the effect of missense changes on protein structure and function are either unavailable or do not agree on the potential impact of this missense change. The variant allele was found at a frequency of 0.00071 in 248886 control chromosomes, predominantly at a frequency of 0.0012 within the Non-Finnish European subpopulation in the gnomAD database. This frequency is not significantly higher than estimated for disease-causing variants in GLI1, allowing no conclusion about variant significance. c.2008G>T has been reported in the literature in individuals affected with neurodevelopmental disorders without strong evidence of causality (Li_2016, Roessler_2018). These reports do not provide unequivocal conclusions about association of the variant with GLI1-Related Disorders. To our knowledge, no experimental evidence demonstrating an impact on protein function has been reported. The following publications have been ascertained in the context of this evaluation (PMID: 27453578, 29992659). ClinVar contains an entry for this variant (Variation ID: 2691566). Based on the evidence outlined above, the variant was classified as uncertain significance.

Literature cited by the submitters: PubMed 29992659; PubMed 27453578.